The following is an entry in ClinVar:

NM_198334.3(GANAB):c.1864G>A (p.Glu622Lys)

Gene: GANAB (glucosidase II alpha subunit; minus strand). Cytogenetic location: 11q12.3.
Variant type: single nucleotide variant.
Coding change: c.1864G>A on transcript NM_198334.3 (MANE Select); coding-DNA position 1864, G replaced by A.
Protein change: p.Glu622Lys; replaces glutamic acid 622 with lysine.
Molecular consequence: missense variant.
Genome position (GRCh38, 1-based): chr11:62,629,266, C>T on the plus strand (G>A on the coding strand, the complement: GANAB is on the minus strand). VCF-style: chr11-62629266-C-T. GRCh37 (hg19) VCF-style: chr11-62396738-C-T.
Other names: c.1588G>A, p.Glu530Lys (NM_001278192.2); c.1522G>A, p.Glu508Lys (NM_001278193.2); c.1573G>A, p.Glu525Lys (NM_001278194.2, NM_001329222.2, NM_001329223.2); c.1141G>A, p.Glu381Lys (NM_001329224.2, NM_001329225.2); c.1930G>A, p.Glu644Lys (NM_198335.4); c.1930G>A (NM_198335.3); short protein forms E508K, E525K, E381K, E644K, E622K, E530K.
Identifiers: ClinVar variation 2605708 (VCV002605708.6), dbSNP rs774955469, ClinGen allele CA6050634.

ClinVar aggregate classification (germline): Uncertain significance. Review status: criteria provided, multiple submitters, no conflicts (2 of 4 stars). 5 submissions from 5 submitters: Uncertain significance (5). Last evaluated 2025-09-30.

Conditions:
Polycystic kidney disease 3 with or without polycystic liver disease. Also called: Polycystic kidney disease 3; Polycystic Kidney and/or Polycystic Liver Disease 3; POLYCYSTIC KIDNEY DISEASE, ADULT, TYPE III. Identifiers: MedGen C3887964, MONDO:0010916, OMIM 600666.
Inborn genetic diseases. Identifiers: MedGen C0950123, MeSH D030342.

Allele frequency attached by ClinVar (database versions not stated): ExAC 0.00001; gnomAD exomes 0.00002.
gnomAD v4.1: 29 of 1,613,290 alleles (0.0018%); highest among the groups gnomAD compares: Middle Eastern, 0.033%; no homozygotes.

Submissions (5):

Labcorp Genetics (formerly Invitae), Labcorp
Classification: Uncertain significance. Last evaluated: 2025-09-30. Review status: criteria provided, single submitter. Criteria: Invitae Variant Classification Sherloc (09022015). Collection method: clinical testing. Allele origin: germline.
Comment: This sequence change replaces glutamic acid, which is acidic and polar, with lysine, which is basic and polar, at codon 644 of the GANAB protein (p.Glu644Lys). This variant is present in population databases (rs774955469, gnomAD 0.003%). This variant has not been reported in the literature in individuals affected with GANAB-related conditions. ClinVar contains an entry for this variant (Variation ID: 2605708). Invitae Evidence Modeling of protein sequence and biophysical properties (such as structural, functional, and spatial information, amino acid conservation, physicochemical variation, residue mobility, and thermodynamic stability) indicates that this missense variant is not expected to disrupt GANAB protein function with a negative predictive value of 80%. In summary, the available evidence is currently insufficient to determine the role of this variant in disease. Therefore, it has been classified as a Variant of Uncertain Significance.

GeneDx
Classification: Uncertain significance. Last evaluated: 2025-06-10. Review status: criteria provided, single submitter. Criteria: GeneDx Variant Classification Process June 2021. Collection method: clinical testing. Allele origin: germline. Affected: yes.
Comment: Not observed at significant frequency in large population cohorts (gnomAD); In silico analysis supports that this missense variant has a deleterious effect on protein structure/function; Has not been previously published as pathogenic or benign to our knowledge

Blueprint Genetics
Classification: Uncertain significance. Last evaluated: 2024-08-30. Review status: criteria provided, single submitter. Criteria: ACMG Guidelines, 2015. Collection method: clinical testing. Allele origin: germline.

Fulgent Genetics
Classification: Uncertain significance for Polycystic kidney disease 3 with or without polycystic liver disease. Last evaluated: 2024-04-20. Review status: criteria provided, single submitter. Criteria: ACMG Guidelines, 2015. Collection method: clinical testing. Allele origin: germline.

Ambry Genetics
Classification: Uncertain significance for Inborn genetic diseases. Last evaluated: 2023-07-03. Review status: criteria provided, single submitter. Criteria: Ambry Variant Classification Scheme 2023. Collection method: clinical testing. Allele origin: germline.